The following is an entry in ClinVar:

NM_004366.6(CLCN2):c.1550C>T (p.Thr517Met)

Gene: CLCN2 (chloride voltage-gated channel 2; minus strand). Cytogenetic location: 3q27.1.
Variant type: single nucleotide variant.
Coding change: c.1550C>T on transcript NM_004366.6 (MANE Select); coding-DNA position 1550, C replaced by T.
Protein change: p.Thr517Met; replaces threonine 517 with methionine.
Molecular consequence: missense variant.
Genome position (GRCh38, 1-based): chr3:184,354,272, G>A on the plus strand (C>T on the coding strand, the complement: CLCN2 is on the minus strand). VCF-style: chr3-184354272-G-A. GRCh37 (hg19) VCF-style: chr3-184072060-G-A.
Other names: p.Thr517Met; c.1499C>T, p.Thr500Met (NM_001171087.3); c.1418C>T, p.Thr473Met (NM_001171088.3); c.1550C>T, p.Thr517Met (NM_001171089.3); short protein forms T473M, T500M, T517M.
Identifiers: ClinVar variation 1300131 (VCV001300131.3), dbSNP rs1458831101, ClinGen allele CA355450042.

ClinVar aggregate classification (germline): Likely pathogenic (1 of 4 stars; one submission).

Conditions:
Epilepsy, idiopathic generalized, susceptibility to, 11 (EIG11). Identifiers: Orphanet 307, MedGen C2750893, MONDO:0011875, OMIM 607628.

Allele frequency attached by ClinVar (database versions not stated): gnomAD exomes below 0.00001; TOPMed below 0.00001.
gnomAD v4.1: 2 of 1,613,046 alleles (0.00012%); highest among the groups gnomAD compares: Non-Finnish European, 0.00017%; no homozygotes.

Submission:

Foundation for Research in Genetics and Endocrinology, FRIGE's Institute of Human Genetics
Classification: Likely pathogenic for Epilepsy, idiopathic generalized, susceptibility to, 11. Last evaluated: 2021-01-25. Review status: criteria provided, single submitter. Criteria: ACMG Guidelines, 2015. Collection method: research. Allele origin: paternal. Inheritance: Autosomal dominant inheritance. Affected: yes. Observed: 1 heterozygote.
Comment: A heterozygous missense variation in exon 15 of the CLCN2 gene that results in the amino acid substitution of Methionine for Threonine at codon 517 was detected. The observed variant c.1550C>T (p.Thr517Met) has not been reported in the 1000 genomes and gnomAD databases. The in silico prediction of the variant is probably damaging by PolyPhen-2 (HumDiv) and damaging SIFT, LRT and MutationTaster2 and slightly intolerant by MetaDome. The reference codon is conserved across species. In summary, the variant meets our criteria to be classified as a likely pathogenic variant.